The following is an entry in ClinVar:

ClinVar aggregate classification (germline): Uncertain significance (1 of 4 stars; one submission).

Conditions:
Duchenne muscular dystrophy (DMD). Also called: MUSCULAR DYSTROPHY, PSEUDOHYPERTROPHIC PROGRESSIVE, DUCHENNE TYPE; Duchenne Muscular Dystrophy (DMD). Identifiers: Orphanet 98896, MedGen C0013264, MONDO:0010679, OMIM 310200.

Allele frequency attached by ClinVar (database versions not stated): gnomAD exomes below 0.00001.
gnomAD v4.1: 1 of 1,210,269 alleles (0.000083%); highest among the groups gnomAD compares: Non-Finnish European, 0.00011%; no homozygotes.

Submission:

Labcorp Genetics (formerly Invitae), Labcorp
Classification: Uncertain significance for Duchenne muscular dystrophy. Last evaluated: 2022-10-26. Review status: criteria provided, single submitter. Criteria: Invitae Variant Classification Sherloc (09022015). Collection method: clinical testing. Allele origin: germline.
Comment: In summary, the available evidence is currently insufficient to determine the role of this variant in disease. Therefore, it has been classified as a Variant of Uncertain Significance. Advanced modeling of protein sequence and biophysical properties (such as structural, functional, and spatial information, amino acid conservation, physicochemical variation, residue mobility, and thermodynamic stability) performed at Invitae indicates that this missense variant is not expected to disrupt DMD protein function. This variant has not been reported in the literature in individuals affected with DMD-related conditions. This variant is not present in population databases (gnomAD no frequency). This sequence change replaces arginine, which is basic and polar, with cysteine, which is neutral and slightly polar, at codon 1470 of the DMD protein (p.Arg1470Cys).

NM_004006.3(DMD):c.4408C>T (p.Arg1470Cys)

Gene: DMD (dystrophin; minus strand). Cytogenetic location: Xp21.1.
Variant type: single nucleotide variant.
Coding change: c.4408C>T on transcript NM_004006.3 (MANE Select); coding-DNA position 4408, C replaced by T.
Protein change: p.Arg1470Cys; replaces arginine 1470 with cysteine.
Molecular consequence: missense variant.
Genome position (GRCh38, 1-based): chrX:32,389,611, G>A on the plus strand (C>T on the coding strand, the complement: DMD is on the minus strand). VCF-style: chrX-32389611-G-A. GRCh37 (hg19) VCF-style: chrX-32407728-G-A.
Other names: c.4384C>T, p.Arg1462Cys (NM_000109.4); c.4396C>T, p.Arg1466Cys (NM_004009.3); c.4039C>T, p.Arg1347Cys (NM_004010.3); c.385C>T, p.Arg129Cys (NM_004011.4); c.376C>T, p.Arg126Cys (NM_004012.4); short protein forms R126C, R1347C, R1462C, R1466C, R129C, R1470C.
Identifiers: ClinVar variation 2156525 (VCV002156525.4), dbSNP rs2097986707, ClinGen allele CA412663585.